The following is an entry in ClinVar:

NM_020693.4(DSCAML1):c.4976T>C (p.Ile1659Thr)

Gene: DSCAML1 (DS cell adhesion molecule like 1; minus strand). Cytogenetic location: 11q23.3.
Variant type: single nucleotide variant.
Coding change: c.4976T>C on transcript NM_020693.4 (MANE Select); coding-DNA position 4976, T replaced by C.
Protein change: p.Ile1659Thr; replaces isoleucine 1659 with threonine.
Molecular consequence: missense variant.
Genome position (GRCh38, 1-based): chr11:117,433,188, A>G on the plus strand (T>C on the coding strand, the complement: DSCAML1 is on the minus strand). VCF-style: chr11-117433188-A-G. GRCh37 (hg19) VCF-style: chr11-117303904-A-G.
Other names: short protein forms I1659T.
Identifiers: ClinVar variation 2092076 (VCV002092076.4), dbSNP rs2542976269, ClinGen allele CA382756247.

ClinVar aggregate classification (germline): Uncertain significance (1 of 4 stars; one submission).

Submission:

Labcorp Genetics (formerly Invitae), Labcorp
Classification: Uncertain significance. Last evaluated: 2024-01-20. Review status: criteria provided, single submitter. Criteria: Invitae Variant Classification Sherloc (09022015). Collection method: clinical testing. Allele origin: germline.
Comment: This sequence change replaces isoleucine, which is neutral and non-polar, with threonine, which is neutral and polar, at codon 1719 of the DSCAML1 protein (p.Ile1719Thr). This variant is not present in population databases (gnomAD no frequency). This variant has not been reported in the literature in individuals affected with DSCAML1-related conditions. ClinVar contains an entry for this variant (Variation ID: 2092076). An algorithm developed to predict the effect of missense changes on protein structure and function (PolyPhen-2) suggests that this variant is likely to be disruptive. In summary, the available evidence is currently insufficient to determine the role of this variant in disease. Therefore, it has been classified as a Variant of Uncertain Significance.